The following is an entry in ClinVar:

NM_013451.4(MYOF):c.1643C>T (p.Thr548Ile)

Gene: MYOF (myoferlin; minus strand). Cytogenetic location: 10q23.33.
Variant type: single nucleotide variant.
Coding change: c.1643C>T on transcript NM_013451.4 (MANE Select); coding-DNA position 1643, C replaced by T.
Protein change: p.Thr548Ile; replaces threonine 548 with isoleucine.
Molecular consequence: missense variant.
Genome position (GRCh38, 1-based): chr10:93,387,852, G>A on the plus strand (C>T on the coding strand, the complement: MYOF is on the minus strand). VCF-style: chr10-93387852-G-A. GRCh37 (hg19) VCF-style: chr10-95147609-G-A.
Other names: c.1643C>T (NM_013451.3); c.1604C>T, p.Thr535Ile (NM_133337.3); short protein forms T535I, T548I.
Identifiers: ClinVar variation 2640695 (VCV002640695.25), dbSNP rs117595198, ClinGen allele CA5608124.

ClinVar aggregate classification (germline): Benign. Review status: criteria provided, single submitter (1 of 4 stars). 2 submissions from 2 submitters: Benign (1). 1 of the submissions does not count toward it. Last evaluated 2026-07-01.

Conditions:
MYOF-related disorder. Also called: MYOF-related condition.

Allele frequency attached by ClinVar (database versions not stated): 1000 Genomes Project 30x 0.00562; 1000 Genomes Project 0.00639; TOPMed 0.00845; ESP Exome Variant Server 0.01061; ExAC 0.01282; gnomAD 0.01338.
gnomAD v4.1: 22,411 of 1,614,012 alleles (1.4%); highest among the groups gnomAD compares: Non-Finnish European, 1.4%; 245 homozygotes.

Submissions (2):

CeGaT Center for Human Genetics Tuebingen
Classification: Benign. Last evaluated: 2026-07-01. Review status: criteria provided, single submitter. Criteria: CeGaT Center For Human Genetics Tuebingen Variant Classification Criteria Version 2. Collection method: clinical testing. Allele origin: germline. Affected: yes. Observed: 11 variant alleles.
Comment: MYOF: BP4, BS1, BS2

PreventionGenetics, part of Exact Sciences
Classification: Benign for MYOF-related condition. Last evaluated: 2019-07-08. Review status: no assertion criteria provided. Collection method: clinical testing. Allele origin: germline. Not counted in ClinVar's aggregate classification.
Comment: This variant is classified as benign based on ACMG/AMP sequence variant interpretation guidelines (Richards et al. 2015 PMID: 25741868, with internal and published modifications).